The following is an entry in ClinVar:

ClinVar aggregate classification (germline): Uncertain significance (1 of 4 stars; one submission).

Conditions:
Spastic paraplegia. Identifiers: MedGen C0037772, HP:0001258.

Allele frequency attached by ClinVar (database versions not stated): gnomAD exomes below 0.00001.

Submission:

Labcorp Genetics (formerly Invitae), Labcorp
Classification: Uncertain significance for Spastic paraplegia. Last evaluated: 2025-09-02. Review status: criteria provided, single submitter. Criteria: Invitae Variant Classification Sherloc (09022015). Collection method: clinical testing. Allele origin: germline.
Comment: This sequence change replaces lysine, which is basic and polar, with arginine, which is basic and polar, at codon 1904 of the ZFYVE26 protein (p.Lys1904Arg). This variant is not present in population databases (gnomAD no frequency). This variant has not been reported in the literature in individuals affected with ZFYVE26-related conditions. ClinVar contains an entry for this variant (Variation ID: 969979). An algorithm developed to predict the effect of missense changes on protein structure and function (PolyPhen-2) suggests that this variant is likely to be tolerated. In summary, the available evidence is currently insufficient to determine the role of this variant in disease. Therefore, it has been classified as a Variant of Uncertain Significance.

NM_015346.4(ZFYVE26):c.5711A>G (p.Lys1904Arg)

Gene: ZFYVE26 (zinc finger FYVE-type containing 26; minus strand). Cytogenetic location: 14q24.1.
Variant type: single nucleotide variant.
Coding change: c.5711A>G on transcript NM_015346.4 (MANE Select); coding-DNA position 5711, A replaced by G.
Protein change: p.Lys1904Arg; replaces lysine 1904 with arginine.
Molecular consequence: missense variant.
Genome position (GRCh38, 1-based): chr14:67,767,783, T>C on the plus strand (A>G on the coding strand, the complement: ZFYVE26 is on the minus strand). VCF-style: chr14-67767783-T-C. GRCh37 (hg19) VCF-style: chr14-68234500-T-C.
Other names: short protein forms K1904R.
Identifiers: ClinVar variation 969979 (VCV000969979.8), dbSNP rs2039097466, ClinGen allele CA390166483.